The following is an entry in ClinVar:

NM_001243133.2(NLRP3):c.974G>A (p.Arg325Gln)

Gene: NLRP3 (NLR family pyrin domain containing 3; plus strand). Cytogenetic location: 1q44.
Variant type: single nucleotide variant.
Coding change: c.974G>A on transcript NM_001243133.2 (MANE Select); coding-DNA position 974, G replaced by A.
Protein change: p.Arg325Gln; replaces arginine 325 with glutamine.
Molecular consequence: missense variant.
Genome position (GRCh38, 1-based): chr1:247,424,423, G>A. VCF-style: chr1-247424423-G-A. GRCh37 (hg19) VCF-style: chr1-247587725-G-A.
Other names: c.974G>A, p.Arg325Gln (NM_001079821.3, NM_001127461.3, NM_001127462.3 and 1 more transcripts); c.980G>A, p.Arg327Gln (NM_004895.5); short protein forms R327Q, R325Q.
Identifiers: ClinVar variation 1983691 (VCV001983691.10), dbSNP rs200158304, ClinGen allele CA40691174.

ClinVar aggregate classification (germline): Conflicting classifications of pathogenicity. Review status: criteria provided, conflicting classifications (1 of 4 stars). 5 submissions from 5 submitters: Uncertain significance (3); Likely benign (2). Last evaluated 2026-06-01.

Conditions:
Cryopyrin associated periodic syndrome (CAPS). Identifiers: Orphanet 208650, MedGen C2316212, MONDO:0016168.

Allele frequency attached by ClinVar (database versions not stated): gnomAD exomes 0.00001; TOPMed 0.00001; gnomAD 0.00002.
gnomAD v4.1: 17 of 1,614,048 alleles (0.0011%); highest among the groups gnomAD compares: African/African-American, 0.0067%; no homozygotes.

Submissions (5):

CeGaT Center for Human Genetics Tuebingen
Classification: Likely benign. Last evaluated: 2026-06-01. Review status: criteria provided, single submitter. Criteria: CeGaT Center For Human Genetics Tuebingen Variant Classification Criteria Version 2. Collection method: clinical testing. Allele origin: germline. Affected: yes. Observed: 1 variant allele.
Comment: NLRP3: BP4

Women's Health and Genetics/Laboratory Corporation of America, LabCorp
Classification: Likely benign. Last evaluated: 2026-02-03. Review status: criteria provided, single submitter. Criteria: LabCorp Variant Classification Summary - May 2015. Collection method: clinical testing. Allele origin: germline.
Comment: Variant summary: NLRP3 c.980G>A (p.Arg327Gln) results in a conservative amino acid change in the encoded protein sequence. Algorithms developed to predict the effect of missense changes on protein structure and function all suggest that this variant is likely to be tolerated. The variant allele was found at a frequency of 1.1e-05 in 1614048 control chromosomes. The observed variant frequency exceeds the estimated maximal expected allele frequency for disease-causing variants in NLRP3. c.980G>A has been observed in at least 2 individual(s) affected with unspecified/mild periodic fever and or urticarial rash (example, Ozyilmaz_2019, de Jesus_2020) without strong evidence for causality. These report(s) do not provide unequivocal conclusions about association of the variant with Cryopyrin Associated Periodic Syndrome. To our knowledge, no experimental evidence demonstrating an impact on protein function has been reported. The following publications have been ascertained in the context of this evaluation (PMID: 31135083, 31874111, 21058222, 25979514, 29326099). ClinVar contains an entry for this variant (Variation ID: 1983691). Based on the evidence outlined above, the variant was classified as likely benign.

Labcorp Genetics (formerly Invitae), Labcorp
Classification: Uncertain significance for Cryopyrin associated periodic syndrome. Last evaluated: 2025-10-22. Review status: criteria provided, single submitter. Criteria: Invitae Variant Classification Sherloc (09022015). Collection method: clinical testing. Allele origin: germline.
Comment: This sequence change replaces arginine, which is basic and polar, with glutamine, which is neutral and polar, at codon 327 of the NLRP3 protein (p.Arg327Gln). This variant is present in population databases (rs200158304, gnomAD 0.004%). This missense change has been observed in individual(s) with clinical features of NLRP3-related conditions (PMID: 25979514, 31135083, 31874111). This variant is also known as p.R325Q. ClinVar contains an entry for this variant (Variation ID: 1983691). Invitae Evidence Modeling of protein sequence and biophysical properties (such as structural, functional, and spatial information, amino acid conservation, physicochemical variation, residue mobility, and thermodynamic stability) has been performed for this missense variant. However, the output from this modeling did not meet the statistical confidence thresholds required to predict the impact of this variant on NLRP3 protein function. In summary, the available evidence is currently insufficient to determine the role of this variant in disease. Therefore, it has been classified as a Variant of Uncertain Significance.

Dasa
Classification: Uncertain significance. Last evaluated: 2025-10-20. Review status: criteria provided, single submitter. Criteria: DASA Assertion Criteria. Collection method: clinical testing. Allele origin: germline.
Comment: NM_001243133.2(NLRP3):c.974G>A (p.Arg325Gln) is a missense variant that results in the substitution of arginine with glutamine. This variant has been reported in individuals with NLRP3-related disorders (PMID: 31874111). Also, this variant is rare in population databases. The currently available literature and clinical evidence are not sufficient to establish a definitive association between this variant and the reported condition. Therefore, this variant is classified as a variant of uncertain significance.

Blueprint Genetics
Classification: Uncertain significance. Last evaluated: 2020-05-28. Review status: criteria provided, single submitter. Criteria: ACMG Guidelines, 2015. Collection method: clinical testing. Allele origin: germline.

Literature cited by the submitters: PubMed 21058222 (cited by Women's Health and Genetics/Laboratory Corporation of America, LabCorp); PubMed 25979514 (cited by Women's Health and Genetics/Laboratory Corporation of America, LabCorp and Labcorp Genetics (formerly Invitae), Labcorp); PubMed 29326099 (cited by Women's Health and Genetics/Laboratory Corporation of America, LabCorp); PubMed 31135083 (cited by Women's Health and Genetics/Laboratory Corporation of America, LabCorp and Labcorp Genetics (formerly Invitae), Labcorp); PubMed 31874111 (cited by 3 submitters).